The following is an entry in ClinVar:

ClinVar aggregate classification (germline): Benign/Likely benign. Review status: criteria provided, multiple submitters, no conflicts (2 of 4 stars). 3 submissions from 3 submitters: Benign (1); Likely benign (1). 1 of the submissions does not count toward it. Last evaluated 2025-12-21.

Conditions:
NUP205-related disorder. Also called: NUP205-related condition.

Allele frequency attached by ClinVar (database versions not stated): 1000 Genomes Project 30x 0.00078; 1000 Genomes Project 0.00080; TOPMed 0.00123; gnomAD 0.00135; ExAC 0.00136; gnomAD exomes 0.00205; ESP Exome Variant Server 0.00215.
gnomAD v4.1: 3,205 of 1,613,900 alleles (0.2%); highest among the groups gnomAD compares: Non-Finnish European, 0.24%; 6 homozygotes.

Submissions (3):

Labcorp Genetics (formerly Invitae), Labcorp
Classification: Benign. Last evaluated: 2025-12-21. Review status: criteria provided, single submitter. Criteria: Invitae Variant Classification Sherloc (09022015). Collection method: clinical testing. Allele origin: germline.

Blueprint Genetics
Classification: Likely benign. Last evaluated: 2024-11-06. Review status: criteria provided, single submitter. Criteria: ACMG Guidelines, 2015. Collection method: clinical testing. Allele origin: germline.

PreventionGenetics, part of Exact Sciences
Classification: Likely benign for NUP205-related condition. Last evaluated: 2019-11-21. Review status: no assertion criteria provided. Collection method: clinical testing. Allele origin: germline. Not counted in ClinVar's aggregate classification.
Comment: This variant is classified as likely benign based on ACMG/AMP sequence variant interpretation guidelines (Richards et al. 2015 PMID: 25741868, with internal and published modifications).

NM_015135.3(NUP205):c.1515G>A (p.Leu505=)

Gene: NUP205 (nucleoporin 205; plus strand). Cytogenetic location: 7q33.
Variant type: single nucleotide variant.
Coding change: c.1515G>A on transcript NM_015135.3 (MANE Select); coding-DNA position 1515, G replaced by A.
Protein change: p.Leu505=; no amino-acid change (leucine 505 retained).
Molecular consequence: synonymous variant.
Genome position (GRCh38, 1-based): chr7:135,591,491, G>A. VCF-style: chr7-135591491-G-A. GRCh37 (hg19) VCF-style: chr7-135276239-G-A.
Other names: c.441G>A, p.Leu147= (NM_001329434.2); c.1515G>A (NM_015135.2).
Identifiers: ClinVar variation 2039490 (VCV002039490.7), dbSNP rs146225677, ClinGen allele CA4498123.